The following is an entry in ClinVar:

ClinVar aggregate classification (germline): Uncertain significance (1 of 4 stars; one submission).

Conditions:
BDNF-related disorder. Also called: BDNF-related condition.

gnomAD v4.1: 11 of 1,607,464 alleles (0.00068%); highest among the groups gnomAD compares: African/African-American, 0.013%; no homozygotes.

Submission:

PreventionGenetics, part of Exact Sciences
Classification: Uncertain significance for BDNF-related condition. Last evaluated: 2025-07-15. Review status: criteria provided, single submitter. Criteria: ACMG Guidelines, 2015. Collection method: clinical testing. Allele origin: germline.
Comment: The BDNF c.98C>T variant is predicted to result in the amino acid substitution p.Thr33Ile. To our knowledge, this variant has not been reported in the literature. This variant is reported in 0.017% of alleles in individuals of African descent in gnomAD. At this time, the clinical significance of this variant is uncertain due to the absence of conclusive functional and genetic evidence.

NM_001709.5(BDNF):c.-21-15602C>T

Genes: BDNF (brain derived neurotrophic factor; minus strand), BDNF-AS (BDNF antisense RNA; plus strand). Cytogenetic location: 11p14.1.
Variant type: single nucleotide variant.
Coding change: c.-21-15602C>T on transcript NM_001709.5 (MANE Select); 15602 bases into the intron before 21 bases upstream of the start codon, C replaced by T.
Molecular consequence: intron variant. On other transcripts: missense variant (1), 5 prime UTR variant (1).
Genome position (GRCh38, 1-based): chr11:27,674,187, G>A on the plus strand (C>T on the coding strand, the complement: BDNF is on the minus strand). VCF-style: chr11-27674187-G-A. GRCh37 (hg19) VCF-style: chr11-27695734-G-A.
Other names: c.98C>T, p.Thr33Ile (NM_001143810.2); c.-266C>T (NM_001143811.2); c.4-15602C>T (NM_170731.5); c.-21-15602C>T (NM_001143805.1, NM_001143806.1, NM_170732.4 and 5 more transcripts); c.67-15602C>T (NM_001143809.2); c.-128-15261C>T (NM_001143814.2); c.25-15602C>T (NM_170734.4); short protein forms T33I.
Identifiers: ClinVar variation 3351415 (VCV003351415.2).
Genomic context (GRCh38, chr11:27,674,187, plus strand): 5'-CCCTTCTTCTGGGATGCACAGTCATGCCATACAGAAGCGTGTGGGTAGACGCCAAAACAT[G>A]TGTGGACCTGCAACCCTTTCTGTAGAAACTCAGCATTCTGAGTAGTAACAAGGATTAACC-3'